The following is an entry in ClinVar:

ClinVar aggregate classification (germline): Benign/Likely benign. Review status: criteria provided, multiple submitters, no conflicts (2 of 4 stars). 4 submissions from 4 submitters: Benign (1); Likely benign (2). 1 of the submissions does not count toward it. Last evaluated 2026-01-16.

Conditions:
Hereditary cancer-predisposing syndrome. Also called: Neoplastic Syndromes, Hereditary; Tumor predisposition; Hereditary Cancer Syndrome; Hereditary neoplastic syndrome. Identifiers: Orphanet 140162, MedGen C0027672, MeSH D009386, MONDO:0015356.
Hereditary breast ovarian cancer syndrome. Also called: Hereditary breast and ovarian cancer syndrome; Hereditary breast and ovarian cancer; Hereditary breast and ovarian cancer syndrome (HBOC); Breast and ovarian cancer; Hereditary breast and/or ovarian cancer syndrome; BRCA1- and BRCA2-Associated Hereditary Breast and Ovarian Cancer. Identifiers: Orphanet 145, MedGen C0677776, MeSH D061325, MONDO:0003582. Disease mechanism: loss of function.
Breast-ovarian cancer, familial, susceptibility to, 2 (BROVCA2). Also called: BRCA2 Hereditary Breast and Ovarian Cancer. Identifiers: Orphanet 145, MedGen C2675520, MONDO:0012933, OMIM 612555. Disease mechanism: loss of function.

Allele frequency attached by ClinVar (database versions not stated): gnomAD exomes 0.00001.
gnomAD v4.1: 2 of 1,514,372 alleles (0.00013%); highest among the groups gnomAD compares: East Asian, 0.0023%; no homozygotes.

Submissions (4):

Labcorp Genetics (formerly Invitae), Labcorp
Classification: Likely benign for Hereditary breast ovarian cancer syndrome. Last evaluated: 2026-01-16. Review status: criteria provided, single submitter. Criteria: Invitae Variant Classification Sherloc (09022015). Collection method: clinical testing. Allele origin: germline.

Color Diagnostics, LLC DBA Color Health
Classification: Likely benign for Hereditary cancer-predisposing syndrome. Last evaluated: 2017-10-29. Review status: criteria provided, single submitter. Criteria: ACMG Guidelines, 2015. Collection method: clinical testing. Allele origin: germline.

GeneDx
Classification: Benign. Last evaluated: 2014-10-08. Review status: criteria provided, single submitter. Criteria: GeneDx Variant Classification (06012015). Collection method: clinical testing. Allele origin: germline. Affected: yes.
Comment: This variant is considered likely benign or benign based on one or more of the following criteria: it is a conservative change, it occurs at a poorly conserved position in the protein, it is predicted to be benign by multiple in silico algorithms, and/or has population frequency not consistent with disease.

Breast Cancer Information Core (BIC) (BRCA2)
Classification: Uncertain significance for Breast-ovarian cancer, familial 2. Last evaluated: 2004-02-20. Review status: no assertion criteria provided. Collection method: clinical testing. Allele origin: germline. Affected: yes. Observed: 1 variant allele. Not counted in ClinVar's aggregate classification.

NM_000059.4(BRCA2):c.317-12G>A

Gene: BRCA2 (BRCA2 DNA repair associated; plus strand). Cytogenetic location: 13q13.1.
Variant type: single nucleotide variant.
Coding change: c.317-12G>A on transcript NM_000059.4 (MANE Select); 12 bases into the intron before coding-DNA position 317, G replaced by A.
Molecular consequence: intron variant.
Genome position (GRCh38, 1-based): chr13:32,325,064, G>A. VCF-style: chr13-32325064-G-A. GRCh37 (hg19) VCF-style: chr13-32899201-G-A.
Other names: IVS3-12G>A.
Identifiers: ClinVar variation 51414 (VCV000051414.12), dbSNP rs81002841, ClinGen allele CA017445.